The following is an entry in ClinVar:

NM_022168.4(IFIH1):c.2242G>A (p.Gly748Arg)

Gene: IFIH1 (interferon induced with helicase C domain 1; minus strand). Cytogenetic location: 2q24.2.
Variant type: single nucleotide variant.
Coding change: c.2242G>A on transcript NM_022168.4 (MANE Select); coding-DNA position 2242, G replaced by A.
Protein change: p.Gly748Arg; replaces glycine 748 with arginine.
Molecular consequence: missense variant.
Genome position (GRCh38, 1-based): chr2:162,276,749, C>T on the plus strand (G>A on the coding strand, the complement: IFIH1 is on the minus strand). VCF-style: chr2-162276749-C-T. GRCh37 (hg19) VCF-style: chr2-163133259-C-T.
Other names: short protein forms G748R.
Identifiers: ClinVar variation 1428095 (VCV001428095.8), dbSNP rs764553894, ClinGen allele CA1934259.
Genomic context (GRCh38, chr2:162,276,749, plus strand): 5'-GTGTCATGGGTTTGAACTCACTGCTGTGTCCAGCTCCAATCAGATGGTGGGCTTTGACTC[C>T]TACTTCAGCAAATTTTTCATTTTCAGTAATCCACTGGGAAAGCGCATATGCACTCTGTCG-3'
Protein context (NP_071451.2, residues 738-758): ITENEKFAEV[Gly748Arg]VKAHHLIGAG

ClinVar aggregate classification (germline): Uncertain significance. Review status: criteria provided, multiple submitters, no conflicts (2 of 4 stars). 3 submissions from 3 submitters: Uncertain significance (3). Last evaluated 2025-05-19.

Conditions:
Singleton-Merten syndrome 1 (SGMRT1). Also called: Widened medullary cavities of bone, aortic calcification, abnormal dentition, and muscular weakness; Syndrome of widened medullary cavities of the metacarpals and phalanges, aortic calcification and abnormal dentition. Identifiers: Orphanet 85191, MedGen C4225427, MONDO:0024535, OMIM 182250.
Aicardi-Goutieres syndrome 7 (AGS7). Identifiers: Orphanet 51, MedGen C3888244, MONDO:0014367, OMIM 615846.

Allele frequency attached by ClinVar (database versions not stated): ExAC 0.00001; gnomAD exomes 0.00001 and 0.00002; TOPMed 0.00002.
gnomAD v4.1: 32 of 1,614,006 alleles (0.002%); highest among the groups gnomAD compares: Non-Finnish European, 0.0025%; no homozygotes.

Submissions (3):

Labcorp Genetics (formerly Invitae), Labcorp
Classification: Uncertain significance for Aicardi-Goutieres syndrome 7; Singleton-Merten syndrome 1. Last evaluated: 2025-05-19. Review status: criteria provided, single submitter. Criteria: Invitae Variant Classification Sherloc (09022015). Collection method: clinical testing. Allele origin: germline.
Comment: This sequence change replaces glycine, which is neutral and non-polar, with arginine, which is basic and polar, at codon 748 of the IFIH1 protein (p.Gly748Arg). This variant is present in population databases (rs764553894, gnomAD 0.002%). This variant has not been reported in the literature in individuals affected with IFIH1-related conditions. ClinVar contains an entry for this variant (Variation ID: 1428095). Invitae Evidence Modeling of protein sequence and biophysical properties (such as structural, functional, and spatial information, amino acid conservation, physicochemical variation, residue mobility, and thermodynamic stability) has been performed for this missense variant. However, the output from this modeling did not meet the statistical confidence thresholds required to predict the impact of this variant on IFIH1 protein function. In summary, the available evidence is currently insufficient to determine the role of this variant in disease. Therefore, it has been classified as a Variant of Uncertain Significance.

Blueprint Genetics
Classification: Uncertain significance. Last evaluated: 2024-11-22. Review status: criteria provided, single submitter. Criteria: ACMG Guidelines, 2015. Collection method: clinical testing. Allele origin: germline.

Victorian Clinical Genetics Services, Murdoch Childrens Research Institute
Classification: Uncertain significance for Aicardi-Goutieres syndrome 7. Last evaluated: 2024-09-21. Review status: criteria provided, single submitter. Criteria: ACMG Guidelines, 2015. Collection method: clinical testing. Allele origin: germline. Inheritance: Autosomal dominant inheritance.
Comment: Based on the classification scheme VCGS_Germline_v1.3.4, this variant is classified as VUS-3C. Following criteria are met: 0103 - Gain of function is a known mechanism of disease in this gene and is associated with Aicardi-Goutieres syndrome 7 (MIM#615846) (PMID: 24686847) and Singleton-Merten syndrome 1 (MIM#182250) (PMID: 25620204). Loss of function is a known mechanism of disease in this gene and is associated with immunodeficiency 95 (MIM#619773) (PMIDs: 29018476, 34185153). (I) 0108 - This gene is associated with both recessive and dominant disease (OMIM). (I) 0112 - The condition associated with this gene has incomplete penetrance. Incomplete penetrance has been reported for IFIH1 gain of function variants (PMID: 31898846). (I) 0115 - Variants in this gene are known to have variable expressivity. Variable expressivity has been reported for IFIH1 gain of function variants (PMID: 31898846). (I) 0200 - Variant is predicted to result in a missense amino acid change from glycine to arginine. (I) 0251 - This variant is heterozygous. (I) 0304 - Variant is present in gnomAD (v2) <0.01 (3 heterozygotes, 0 homozygotes). (SP) 0501 - Missense variant consistently predicted to be damaging by multiple in silico tools or highly conserved with a major amino acid change. (I) 0600 - Variant is located in the annotated helicase conserved C-terminal domain (DECIPHER). (I) 0705 - No comparable missense variants have previous evidence for pathogenicity. (I) 0809 - Previous evidence of pathogenicity for this variant is inconclusive. This variant has been classified once as a VUS by Invitae who note that an aggregate review of prior cases identified this variant in an adult with ventricular hypertrophy, seizures, hypermobility and syncope and 2 adults with immunodeficiency (Invitae personal communication). (I) 0905 - No published segregation evidence has been identified for this variant. (I) 1007 - No published functional evidence has been identified for this variant. (I) Legend: (SP) - Pathogenic, (I) - Neutral, (SB) - Benign

Literature cited by the submitters: PubMed 24686847 (cited by Victorian Clinical Genetics Services, Murdoch Childrens Research Institute); PubMed 25620204 (cited by Victorian Clinical Genetics Services, Murdoch Childrens Research Institute); PubMed 29018476 (cited by Victorian Clinical Genetics Services, Murdoch Childrens Research Institute); PubMed 31898846 (cited by Victorian Clinical Genetics Services, Murdoch Childrens Research Institute); PubMed 34185153 (cited by Victorian Clinical Genetics Services, Murdoch Childrens Research Institute).